The following is an entry in ClinVar:

NM_001987.5(ETV6):c.74C>T (p.Pro25Leu)

Gene: ETV6 (ETS variant transcription factor 6; plus strand). Cytogenetic location: 12p13.2.
Variant type: single nucleotide variant.
Coding change: c.74C>T on transcript NM_001987.5 (MANE Select); coding-DNA position 74, C replaced by T.
Protein change: p.Pro25Leu; replaces proline 25 with leucine.
Molecular consequence: missense variant.
Genome position (GRCh38, 1-based): chr12:11,752,490, C>T. VCF-style: chr12-11752490-C-T. GRCh37 (hg19) VCF-style: chr12-11905424-C-T.
Other names: short protein forms P25L.
Identifiers: ClinVar variation 1050349 (VCV001050349.9), dbSNP rs550013624, ClinGen allele CA6454104.
Genomic context (GRCh38, chr12:11,752,490, plus strand): 5'-CCTGCCCTTATTTTTAACAGCAGGAACGAATTTCATATACACCTCCAGAGAGCCCAGTGC[C>T]GAGTTACGCTTCCTCGACGCCACTTCATGTTCCAGTGCCTCGAGCGCTCAGGATGGAGGA-3'
Protein context (NP_001978.1, residues 15-35): ISYTPPESPV[Pro25Leu]SYASSTPLHV

ClinVar aggregate classification (germline): Conflicting classifications of pathogenicity. Review status: criteria provided, conflicting classifications (1 of 4 stars). 5 submissions from 5 submitters: Uncertain significance (3); Likely benign (1). 1 of the submissions does not count toward it. Last evaluated 2025-07-07.

Conditions:
Inborn genetic diseases. Identifiers: MedGen C0950123, MeSH D030342.

Allele frequency attached by ClinVar (database versions not stated): ExAC 0.00003; gnomAD exomes 0.00003; TOPMed 0.00007; gnomAD 0.00008 and 0.00009; 1000 Genomes Project 30x 0.00016; 1000 Genomes Project 0.00020.
gnomAD v4.1: 38 of 1,613,934 alleles (0.0024%); highest among the groups gnomAD compares: Admixed American, 0.023%; no homozygotes.

Submissions (5):

ARUP Laboratories, Molecular Genetics and Genomics, ARUP Laboratories
Classification: Uncertain significance. Last evaluated: 2025-07-07. Review status: criteria provided, single submitter. Criteria: ARUP Molecular Germline Variant Investigation Process 2024. Collection method: clinical testing. Allele origin: germline.
Comment: The ETV6 c.74C>T; p.Pro25Leu variant (rs550013624), to our knowledge, is not reported in the medical literature but is reported in ClinVar (Variation ID: 1050349). This variant is found in the general population with an overall allele frequency of 0.003% (9/282,652 alleles) in the Genome Aggregation Database (v2.1.1). Computational analyses predict that this variant is neutral (REVEL: 0.025). Due to limited information, the clinical significance of this variant is uncertain at this time.

Labcorp Genetics (formerly Invitae), Labcorp
Classification: Uncertain significance. Last evaluated: 2025-04-02. Review status: criteria provided, single submitter. Criteria: Invitae Variant Classification Sherloc (09022015). Collection method: clinical testing. Allele origin: germline.
Comment: This sequence change replaces proline, which is neutral and non-polar, with leucine, which is neutral and non-polar, at codon 25 of the ETV6 protein (p.Pro25Leu). This variant is present in population databases (rs550013624, gnomAD 0.01%). This variant has not been reported in the literature in individuals affected with ETV6-related conditions. ClinVar contains an entry for this variant (Variation ID: 1050349). Invitae Evidence Modeling of protein sequence and biophysical properties (such as structural, functional, and spatial information, amino acid conservation, physicochemical variation, residue mobility, and thermodynamic stability) indicates that this missense variant is not expected to disrupt ETV6 protein function with a negative predictive value of 80%. In summary, the available evidence is currently insufficient to determine the role of this variant in disease. Therefore, it has been classified as a Variant of Uncertain Significance.

Ambry Genetics
Classification: Likely benign for Inborn genetic diseases. Last evaluated: 2024-12-16. Review status: criteria provided, single submitter. Criteria: Ambry Variant Classification Scheme 2023. Collection method: clinical testing. Allele origin: germline.

GeneDx
Classification: Uncertain significance. Last evaluated: 2020-10-21. Review status: criteria provided, single submitter. Criteria: GeneDx Variant Classification Process June 2021. Collection method: clinical testing. Allele origin: germline. Affected: yes.
Comment: In silico analysis supports that this missense variant does not alter protein structure/function; Has not been previously published as pathogenic or benign to our knowledge

Department of Pathology and Laboratory Medicine, Sinai Health System
Classification: Uncertain significance. Review status: no assertion criteria provided. Collection method: clinical testing. Allele origin: unknown. Affected: yes. Study: The Canadian Open Genetics Repository (COGR). Not counted in ClinVar's aggregate classification.
Comment: The ETV6 p.Pro25Leu variant was not identified in the literature nor was it identified in ClinVar or LOVD 3.0. The variant was identified in dbSNP (ID: rs550013624) and Cosmic (FATHMM prediction: pathogenic; score=0.73). The variant was identified in control databases in 9 of 282652 chromosomes at a frequency of 0.000032 (Genome Aggregation Database Feb 27, 2017). The variant was observed in the following populations: Latino in 4 of 35420 chromosomes (freq: 0.000113), East Asian in 1 of 19940 chromosomes (freq: 0.00005), African in 1 of 24966 chromosomes (freq: 0.00004) and European (non-Finnish) in 3 of 129112 chromosomes (freq: 0.000023), but was not observed in the Ashkenazi Jewish, European (Finnish), Other, and South Asian populations. The p.Pro25 residue is not conserved in mammals and computational analyses (PolyPhen-2, SIFT, AlignGVGD, BLOSUM, MutationTaster) provide inconsistent predictions regarding the impact to the protein; this information is not very predictive of pathogenicity. The variant occurs outside of the splicing consensus sequence and in silico or computational prediction software programs (SpliceSiteFinder, MaxEntScan, NNSPLICE, GeneSplicer) do not predict a difference in splicing. In summary, based on the above information the clinical significance of this variant cannot be determined with certainty at this time. This variant is classified as a variant of uncertain significance.